The following is an entry in ClinVar:

ClinVar aggregate classification (germline): Uncertain significance (1 of 4 stars; one submission).

Conditions:
Dilated cardiomyopathy 1J (CMD1J). Also called: CARDIOMYOPATHY, DILATED, WITH SENSORINEURAL HEARING LOSS, AUTOSOMAL DOMINANT. Identifiers: Orphanet 217622, MedGen C1854368, MONDO:0011541, OMIM 605362.

Allele frequency attached by ClinVar (database versions not stated): gnomAD exomes below 0.00001; gnomAD 0.00001.
gnomAD v4.1: 2 of 1,613,540 alleles (0.00012%); highest among the groups gnomAD compares: African/African-American, 0.0027%; no homozygotes.

Submission:

Labcorp Genetics (formerly Invitae), Labcorp
Classification: Uncertain significance for Dilated cardiomyopathy 1J. Last evaluated: 2023-05-22. Review status: criteria provided, single submitter. Criteria: Invitae Variant Classification Sherloc (09022015). Collection method: clinical testing. Allele origin: germline.
Comment: In summary, the available evidence is currently insufficient to determine the role of this variant in disease. Therefore, it has been classified as a Variant of Uncertain Significance. Advanced modeling of protein sequence and biophysical properties (such as structural, functional, and spatial information, amino acid conservation, physicochemical variation, residue mobility, and thermodynamic stability) performed at Invitae indicates that this missense variant is not expected to disrupt EYA4 protein function. This variant has not been reported in the literature in individuals affected with EYA4-related conditions. This variant is not present in population databases (gnomAD no frequency). This sequence change replaces glutamic acid, which is acidic and polar, with alanine, which is neutral and non-polar, at codon 325 of the EYA4 protein (p.Glu325Ala).

NM_004100.5(EYA4):c.974A>C (p.Glu325Ala)

Gene: EYA4 (EYA transcriptional coactivator and phosphatase 4; plus strand). Cytogenetic location: 6q23.2.
Variant type: single nucleotide variant.
Coding change: c.974A>C on transcript NM_004100.5 (MANE Select); coding-DNA position 974, A replaced by C.
Protein change: p.Glu325Ala; replaces glutamic acid 325 with alanine.
Molecular consequence: missense variant.
Genome position (GRCh38, 1-based): chr6:133,481,466, A>C. VCF-style: chr6-133481466-A-C. GRCh37 (hg19) VCF-style: chr6-133802604-A-C.
Other names: c.812A>C, p.Glu271Ala (NM_001301012.2); c.992A>C, p.Glu331Ala (NM_001301013.2); c.905A>C, p.Glu302Ala (NM_001370458.1, NM_172103.4); c.830A>C, p.Glu277Ala (NM_001370459.1); c.974A>C, p.Glu325Ala (NM_172105.4); short protein forms E271A, E325A, E331A, E277A, E302A.
Identifiers: ClinVar variation 2903398 (VCV002903398.3), dbSNP rs1796210608, ClinGen allele CA365706302.